The following is an entry in ClinVar:

NM_020158.4(EXOSC5):c.533G>A (p.Arg178Gln)

Gene: EXOSC5 (exosome component 5; minus strand). Cytogenetic location: 19q13.2.
Variant type: single nucleotide variant.
Coding change: c.533G>A on transcript NM_020158.4 (MANE Select); coding-DNA position 533, G replaced by A.
Protein change: p.Arg178Gln; replaces arginine 178 with glutamine.
Molecular consequence: missense variant.
Genome position (GRCh38, 1-based): chr19:41,387,596, C>T on the plus strand (G>A on the coding strand, the complement: EXOSC5 is on the minus strand). VCF-style: chr19-41387596-C-T. GRCh37 (hg19) VCF-style: chr19-41893501-C-T.
Other names: short protein forms R178Q.
Identifiers: ClinVar variation 1879440 (VCV001879440.29), dbSNP rs201468947, ClinGen allele CA9460701.

ClinVar aggregate classification (germline): Likely benign (1 of 4 stars; one submission).

Allele frequency attached by ClinVar (database versions not stated): gnomAD 0.00005; ExAC 0.00026.
gnomAD v4.1: 205 of 1,597,286 alleles (0.013%); highest among the groups gnomAD compares: Middle Eastern, 0.15%; no homozygotes.

Submission:

CeGaT Center for Human Genetics Tuebingen
Classification: Likely benign. Last evaluated: 2022-11-01. Review status: criteria provided, single submitter. Criteria: CeGaT Center For Human Genetics Tuebingen Variant Classification Criteria Version 2. Collection method: clinical testing. Allele origin: germline. Affected: yes. Observed: 1 variant allele.
Comment: EXOSC5: BP4